The following is an entry in ClinVar:

ClinVar aggregate classification (germline): Likely benign (1 of 4 stars; one submission).

Allele frequency attached by ClinVar (database versions not stated): gnomAD 0.00010; TOPMed 0.00015.
gnomAD v4.1: 11 of 111,263 alleles (0.0099%); highest among the groups gnomAD compares: East Asian, 0.23%; no homozygotes.

Submission:

CeGaT Center for Human Genetics Tuebingen
Classification: Likely benign. Last evaluated: 2023-02-01. Review status: criteria provided, single submitter. Criteria: CeGaT Center For Human Genetics Tuebingen Variant Classification Criteria Version 2. Collection method: clinical testing. Allele origin: germline. Affected: yes. Observed: 1 variant allele.
Comment: ZNF81: BS2

NM_007137.5(ZNF81):c.*7310G>C

Gene: ZNF81 (zinc finger protein 81; plus strand). Cytogenetic location: Xp11.23.
Variant type: single nucleotide variant.
Coding change: c.*7310G>C on transcript NM_007137.5 (MANE Select); 7310 bases downstream of the stop codon, G replaced by C.
Molecular consequence: 3 prime UTR variant. On other transcripts: missense variant (1).
Genome position (GRCh38, 1-based): chrX:47,923,942, G>C. VCF-style: chrX-47923942-G-C. GRCh37 (hg19) VCF-style: chrX-47783341-G-C.
Other names: c.296G>C, p.Ser99Thr (NM_001378154.1); short protein forms S99T.
Identifiers: ClinVar variation 2660438 (VCV002660438.24), dbSNP rs955359781, ClinGen allele CA329741446.
Genomic context (GRCh38, chrX:47,923,942, plus strand): 5'-CTATCTTCCACTCTATATCCAGCCCTTCTTTCCATCTTCCAGCCCTGCTGACCAACAGTA[G>C]CCCCAGGTCTACCACCAGATGCTTGGCTGCAGGCTCACAAAAGCTTCTCATGGACTTCTC-3'